The following is an entry in ClinVar:

NM_000038.6(APC):c.5959A>G (p.Ile1987Val)

Gene: APC (APC regulator of Wnt signaling pathway; plus strand). Cytogenetic location: 5q22.2.
Variant type: single nucleotide variant.
Coding change: c.5959A>G on transcript NM_000038.6 (MANE Select); coding-DNA position 5959, A replaced by G.
Protein change: p.Ile1987Val; replaces isoleucine 1987 with valine.
Molecular consequence: missense variant.
Genome position (GRCh38, 1-based): chr5:112,841,553, A>G. VCF-style: chr5-112841553-A-G. GRCh37 (hg19) VCF-style: chr5-112177250-A-G.
Other names: c.5959A>G, p.Ile1987Val (NM_001127510.3, NM_001354895.2); c.5905A>G, p.Ile1969Val (NM_001127511.3); c.6013A>G, p.Ile2005Val (NM_001354896.2); c.5989A>G, p.Ile1997Val (NM_001354897.2); c.5884A>G, p.Ile1962Val (NM_001354898.2); c.5875A>G, p.Ile1959Val (NM_001354899.2); c.5836A>G, p.Ile1946Val (NM_001354900.2); c.5782A>G, p.Ile1928Val (NM_001354901.2); and 5 more; short protein forms I1704V, I1827V, I1946V, I1959V, I1896V, I1928V, I2005V, I1861V.
Identifiers: ClinVar variation 826078 (VCV000826078.23), dbSNP rs1269798265, ClinGen allele CA16034376.
Genomic context (GRCh38, chr5:112,841,553, plus strand): 5'-TCCTCTCTGAGTTCTCTCAGTGACATTGACCAAGAAAACAACAATAAAGAAAATGAACCT[A>G]TCAAAGAGACTGAGCCCCCTGACTCACAGGGAGAACCAAGTAAACCTCAAGCATCAGGCT-3'
Protein context (NP_000029.2, residues 1977-1997): QENNNKENEP[Ile1987Val]KETEPPDSQG

ClinVar aggregate classification (germline): Uncertain significance. Review status: criteria provided, multiple submitters, no conflicts (2 of 4 stars). 6 submissions from 6 submitters: Uncertain significance (6). Last evaluated 2025-06-20.

Conditions:
Classic or attenuated familial adenomatous polyposis. Identifiers: MedGen CN372698, MONDO:0021057.
Familial adenomatous polyposis 1 (FAP1). Also called: POLYPOSIS, ADENOMATOUS INTESTINAL; FAMILIAL ADENOMATOUS POLYPOSIS 1, ATTENUATED. Identifiers: MedGen C2713442, MONDO:0021056, OMIM 175100. Disease mechanism: loss of function.
Hereditary cancer-predisposing syndrome. Also called: Neoplastic Syndromes, Hereditary; Tumor predisposition; Hereditary neoplastic syndrome; Hereditary Cancer Syndrome. Identifiers: Orphanet 140162, MedGen C0027672, MeSH D009386, MONDO:0015356.

Allele frequency attached by ClinVar (database versions not stated): gnomAD exomes below 0.00001; gnomAD 0.00001; TOPMed 0.00001.
gnomAD v4.1: 3 of 1,613,884 alleles (0.00019%); highest among the groups gnomAD compares: African/African-American, 0.0027%; no homozygotes.

Submissions (6):

Labcorp Genetics (formerly Invitae), Labcorp
Classification: Uncertain significance for Familial adenomatous polyposis 1. Last evaluated: 2025-06-20. Review status: criteria provided, single submitter. Criteria: Invitae Variant Classification Sherloc (09022015). Collection method: clinical testing. Allele origin: germline.
Comment: This sequence change replaces isoleucine, which is neutral and non-polar, with valine, which is neutral and non-polar, at codon 1987 of the APC protein (p.Ile1987Val). This variant is present in population databases (no rsID available, gnomAD 0.007%). This variant has not been reported in the literature in individuals affected with APC-related conditions. ClinVar contains an entry for this variant (Variation ID: 826078). Invitae Evidence Modeling of protein sequence and biophysical properties (such as structural, functional, and spatial information, amino acid conservation, physicochemical variation, residue mobility, and thermodynamic stability) indicates that this missense variant is not expected to disrupt APC protein function with a negative predictive value of 95%. In summary, the available evidence is currently insufficient to determine the role of this variant in disease. Therefore, it has been classified as a Variant of Uncertain Significance.

Ambry Genetics
Classification: Uncertain significance for Hereditary cancer-predisposing syndrome. Last evaluated: 2025-04-10. Review status: criteria provided, single submitter. Criteria: Ambry Variant Classification Scheme 2023. Collection method: clinical testing. Allele origin: germline.
Comment: The p.I1987V variant (also known as c.5959A>G), located in coding exon 15 of the APC gene, results from an A to G substitution at nucleotide position 5959. The isoleucine at codon 1987 is replaced by valine, an amino acid with highly similar properties. One study detected this alteration in 1/76 Malaysian colorectal cancer patients (Abdul Murad NA et al. Dig. Dis. Sci., 2012 Nov;57:2863-72). This amino acid position is poorly conserved in available vertebrate species. In addition, in silico predictors for this gene do not accurately predict pathogenicity. Since supporting evidence is limited at this time, the clinical significance of this alteration remains unclear.

Center for Genomic Medicine, Rigshospitalet, Copenhagen University Hospital
Classification: Uncertain significance. Last evaluated: 2025-03-04. Review status: criteria provided, single submitter. Criteria: ACMG Guidelines, 2015. Collection method: clinical testing. Allele origin: germline.

Women's Health and Genetics/Laboratory Corporation of America, LabCorp
Classification: Uncertain significance. Last evaluated: 2025-02-03. Review status: criteria provided, single submitter. Criteria: LabCorp Variant Classification Summary - May 2015. Collection method: clinical testing. Allele origin: germline.
Comment: Variant summary: APC c.5959A>G (p.Ile1987Val) results in a conservative amino acid change in the encoded protein sequence. Five of five in-silico tools predict a benign effect of the variant on protein function. The variant was absent in 250298 control chromosomes. The available data on variant occurrences in the general population are insufficient to allow any conclusion about variant significance. To our knowledge, no occurrence of c.5959A>G in individuals affected with Familial Adenomatous Polyposis and no experimental evidence demonstrating its impact on protein function have been reported. ClinVar contains an entry for this variant (Variation ID: 826078). Based on the evidence outlined above, the variant was classified as uncertain significance.

All of Us Research Program, National Institutes of Health
Classification: Uncertain significance for Classic or attenuated familial adenomatous polyposis. Last evaluated: 2023-11-20. Review status: criteria provided, single submitter. Criteria: ACMG Guidelines, 2015. Collection method: clinical testing. Allele origin: germline. Inheritance: Autosomal dominant inheritance. Observed: 3 variant alleles, 3 heterozygotes.
Comment: This missense variant replaces isoleucine with valine at codon 1987 of the APC protein. Computational prediction suggests that this variant may not impact protein structure and function (internally defined REVEL score threshold <= 0.5, PMID: 27666373). To our knowledge, functional studies have not been reported for this variant. This variant has not been reported in individuals affected with hereditary cancer in the literature. This variant has been identified in 1/31400 chromosomes in the general population by the Genome Aggregation Database (gnomAD). The available evidence is insufficient to determine the role of this variant in disease conclusively. Therefore, this variant is classified as a Variant of Uncertain Significance.

This study involves interpretation of variants in research participants for the purpose of population health screening. Participant phenotype was not available at the time of variant classification. Additional details can be found in publication PMID: 35346344, PMCID: PMC8962531

Color Diagnostics, LLC DBA Color Health
Classification: Uncertain significance for Hereditary cancer-predisposing syndrome. Last evaluated: 2022-12-07. Review status: criteria provided, single submitter. Criteria: ACMG Guidelines, 2015. Collection method: clinical testing. Allele origin: germline.
Comment: This missense variant replaces isoleucine with valine at codon 1987 of the APC protein. Computational prediction suggests that this variant may not impact protein structure and function (internally defined REVEL score threshold <= 0.5, PMID: 27666373). To our knowledge, functional studies have not been reported for this variant. This variant has not been reported in individuals affected with hereditary cancer in the literature. This variant has been identified in 1/31400 chromosomes in the general population by the Genome Aggregation Database (gnomAD). The available evidence is insufficient to determine the role of this variant in disease conclusively. Therefore, this variant is classified as a Variant of Uncertain Significance.

Literature cited by the submitters: PubMed 22669205 (cited by Ambry Genetics).